The following is an entry in ClinVar:

NM_152564.5(VPS13B):c.5197del (p.Glu1733fs)

Gene: VPS13B (vacuolar protein sorting 13 homolog B; plus strand). Cytogenetic location: 8q22.2.
Variant type: Deletion.
Coding change: c.5197del on transcript NM_152564.5 (MANE Select); coding-DNA position 5197, one base deleted (G; older notation c.5197delG).
Protein change: p.Glu1733fs; shifts the reading frame from glutamic acid 1733.
Molecular consequence: frameshift variant.
Genome position (GRCh38, 1-based): chr8:99,577,610, G deleted; the last of 2 consecutive G bases (chr8:99,577,609-99,577,610); deleting either gives the same sequence. VCF-style (leftmost placement, unchanged base first): chr8-99577608-TG-T. GRCh37 (hg19) VCF-style: chr8-100589836-TG-T.
Other names: c.5272del, p.Glu1758fs (NM_017890.5); short protein forms E1733fs, E1758fs.
Identifiers: ClinVar variation 2032820 (VCV002032820.4), dbSNP rs2490910717, ClinGen allele CA2580079141.

ClinVar aggregate classification (germline): Pathogenic (1 of 4 stars; one submission).

Conditions:
Cohen syndrome (COH1). Also called: PEPPER SYNDROME; Cutis verticis gyrata, retinitis pigmentosa, and sensorineural deafness. Identifiers: Orphanet 193, MedGen C0265223, MONDO:0008999, OMIM 216550.

Submission:

Labcorp Genetics (formerly Invitae), Labcorp
Classification: Pathogenic for Cohen syndrome. Last evaluated: 2022-09-27. Review status: criteria provided, single submitter. Criteria: Invitae Variant Classification Sherloc (09022015). Collection method: clinical testing. Allele origin: germline.
Comment: For these reasons, this variant has been classified as Pathogenic. This variant has not been reported in the literature in individuals affected with VPS13B-related conditions. This variant is not present in population databases (gnomAD no frequency). This sequence change creates a premature translational stop signal (p.Glu1758Asnfs*48) in the VPS13B gene. It is expected to result in an absent or disrupted protein product. Loss-of-function variants in VPS13B are known to be pathogenic (PMID: 15141358, 16648375, 20461111).

Literature cited by the submitters: PubMed 15141358; PubMed 16648375; PubMed 20461111.